The following is an entry in ClinVar:

ClinVar aggregate classification (germline): Likely pathogenic. Review status: criteria provided, multiple submitters, no conflicts (2 of 4 stars). 7 submissions from 7 submitters: Likely pathogenic (7). Last evaluated 2024-06-26.

Conditions:
Familial cancer of breast. Also called: hereditary breast carcinoma; BREAST CANCER, FAMILIAL; Hereditary breast cancer. Identifiers: Orphanet 227535, MedGen C0346153, MONDO:0016419, OMIM 114480. Disease mechanism: loss of function.
Familial prostate cancer. Also called: Hereditary Prostate Cancer. Identifiers: MedGen C2931456, MONDO:0700275, OMIM 176807.
Bone osteosarcoma. Also called: Osteosarcoma, somatic. Identifiers: Orphanet 668, MedGen C0585442, MONDO:0002629, OMIM 259500.
CHEK2-related cancer predisposition (TPDS4). Also called: CHEK2-related cancer susceptibility; TUMOR PREDISPOSITION SYNDROME 4; CANCER PREDISPOSITION SYNDROME, CHEK2-RELATED. Identifiers: Orphanet 524, MedGen C5882668, MONDO:0700271, OMIM 609265.
Hereditary cancer-predisposing syndrome. Also called: Hereditary Cancer Syndrome; Tumor predisposition; Neoplastic Syndromes, Hereditary; Hereditary neoplastic syndrome. Identifiers: Orphanet 140162, MedGen C0027672, MeSH D009386, MONDO:0015356.

Submissions (7):

Ambry Genetics
Classification: Likely pathogenic for Hereditary cancer-predisposing syndrome. Last evaluated: 2024-06-26. Review status: criteria provided, single submitter. Criteria: Ambry Variant Classification Scheme 2023. Collection method: clinical testing. Allele origin: germline.
Comment: The c.847-14_847-2del13insGG intronic variant is located upstream from coding exon 7 in the CHEK2 gene. This variant results from a deletion of 13 nucleotides and the insertion of 2 nucleotides at positions c.847-14 to c.847-2. In silico splice site analysis predicts that this alteration will weaken the native splice acceptor site. however, direct evidence is insufficient at this time (Ambry internal data). This variant is considered to be rare based on population cohorts in the Genome Aggregation Database (gnomAD). Alterations that disrupt the canonical splice site are expected to cause aberrant splicing, resulting in an abnormal protein or a transcript that is subject to nonsense-mediated mRNA decay. As such, this alteration is classified as likely pathogenic.

Quest Diagnostics Nichols Institute San Juan Capistrano
Classification: Likely pathogenic. Last evaluated: 2024-06-18. Review status: criteria provided, single submitter. Criteria: Quest Diagnostics criteria. Collection method: clinical testing. Allele origin: unknown.
Comment: The CHEK2 c.847-14_847-2delinsGG variant disrupts a canonical splice-acceptor site and is predicted to interfere with normal CHEK2 mRNA splicing. This variant has not been reported in individuals with CHEK2-related conditions in the published literature. However, there is supporting evidence that variants impacting the c.847-2 canonical splice site have been seen in individuals with breast cancer (PMID: 30287823 (2018)) and typically lead to loss of protein function (PMID: 16199547 (2005)). This variant has not been reported in large, multi-ethnic general populations (Genome Aggregation Database). Based on the available information, this variant is classified as likely pathogenic.

Baylor Genetics
Classification: Likely pathogenic for Familial cancer of breast. Last evaluated: 2023-10-18. Review status: criteria provided, single submitter. Criteria: ACMG Guidelines, 2015. Collection method: clinical testing. Allele origin: unknown.

Myriad Genetics, Inc.
Classification: Likely pathogenic for Familial cancer of breast. Last evaluated: 2023-06-27. Review status: criteria provided, single submitter. Criteria: Myriad Autosomal Dominant, Autosomal Recessive and X-Linked Classification Criteria (2023). Collection method: clinical testing. Allele origin: unknown.
Comment: This variant is considered likely pathogenic. This variant occurs within a consensus splice junction and is predicted to result in abnormal mRNA splicing of either an out-of-frame exon or an in-frame exon necessary for protein stability and/or normal function.

Color Diagnostics, LLC DBA Color Health
Classification: Likely pathogenic for Hereditary cancer-predisposing syndrome. Last evaluated: 2023-06-20. Review status: criteria provided, single submitter. Criteria: ACMG Guidelines, 2015. Collection method: clinical testing. Allele origin: germline.
Comment: This variant alters 13 basepairs in the intron 7 splice acceptor site of the CHEK2 gene, including a canonical splice site nucleotide at the -2 position. Splice site prediction tools predict that this variant may have a significant impact on RNA splicing. To our knowledge, RNA studies have not been reported for this variant. This variant has not been reported in individuals affected with hereditary cancer in the literature. However, other canonical splice site variants, impacting the -2 and -1 positions in this splice acceptor site, have been reported as disease-causing in ClinVar (variation ID: 240758, 822474) and have been observed in two affected and two unaffected individuals in a breast cancer case-control study (PMID: 30287823). This variant has not been identified in the general population by the Genome Aggregation Database (gnomAD). Loss of CHEK2 function is a known mechanism of disease. Based on the available evidence, this variant is classified as Likely Pathogenic.

Labcorp Genetics (formerly Invitae), Labcorp
Classification: Likely pathogenic for Familial cancer of breast. Last evaluated: 2020-06-22. Review status: criteria provided, single submitter. Criteria: Invitae Variant Classification Sherloc (09022015). Collection method: clinical testing. Allele origin: germline.
Comment: This sequence change affects an acceptor splice site in intron 7 of the CHEK2 gene. It is expected to disrupt RNA splicing and likely results in an absent or disrupted protein product. This variant is not present in population databases (ExAC no frequency). This variant has not been reported in the literature in individuals with CHEK2-related conditions. ClinVar contains an entry for this variant (Variation ID: 439093). Algorithms developed to predict the effect of sequence changes on RNA splicing suggest that this variant may disrupt the consensus splice site, but this prediction has not been confirmed by published transcriptional studies. Donor and acceptor splice site variants typically lead to a loss of protein function (PMID: 16199547), and loss-of-function variants in CHEK2 are known to be pathogenic (PMID: 21876083, 24713400). In summary, the currently available evidence indicates that the variant is pathogenic, but additional data are needed to prove that conclusively. Therefore, this variant has been classified as Likely Pathogenic.

Juno Genomics, Hangzhou Juno Genomics, Inc
Classification: Likely pathogenic for CHEK2-related cancer predisposition; Bone osteosarcoma; Familial prostate cancer. Review status: criteria provided, single submitter. Criteria: ACMG Guidelines, 2015. Collection method: clinical testing. Allele origin: germline.
Comment: Absent from controls (or at extremely low frequency if recessive) in Genome Aggregation Database.;Null variant in a gene where loss of function (LOF) is a known mechanism of disease.

Literature cited by the submitters: PubMed 30287823 (cited by Quest Diagnostics Nichols Institute San Juan Capistrano and Color Diagnostics, LLC DBA Color Health); PubMed 16199547 (cited by Quest Diagnostics Nichols Institute San Juan Capistrano and Labcorp Genetics (formerly Invitae), Labcorp); PubMed 21876083 (cited by Labcorp Genetics (formerly Invitae), Labcorp); PubMed 24713400 (cited by Labcorp Genetics (formerly Invitae), Labcorp).

NM_007194.4(CHEK2):c.847-14_847-2delinsGG

Gene: CHEK2 (checkpoint kinase 2; minus strand). Cytogenetic location: 22q12.1.
Variant type: Indel.
Coding change: c.847-14_847-2delinsGG on transcript NM_007194.4 (MANE Select); 14 bases into the intron before coding-DNA position 847 through the canonical splice acceptor site of the intron before coding-DNA position 847, CCCCCTCTTCTTA replaced by GG.
Molecular consequence: splice acceptor variant.
Genome position (GRCh38, 1-based): chr22:28,703,568-28,703,580, TAAGAAGAGGGGG replaced by CC on the plus strand (CCCCCTCTTCTTA replaced by GG on the coding strand, the reverse complement: CHEK2 is on the minus strand). VCF-style: chr22-28703568-TAAGAAGAGGGGG-CC. GRCh37 (hg19) VCF-style: chr22-29099556-TAAGAAGAGGGGG-CC.
Other names: c.646-14_646-2delinsGG (NM_001349956.3); c.847-14_847-2delinsGG (NM_145862.3); c.184-14_184-2delinsGG (NM_001257387.3, NM_001437942.1); c.940-14_940-2delinsGG (NM_001438295.1, NM_001438293.1); c.976-14_976-2delinsGG (NM_001438294.1, NM_001005735.3); c.847-14_847-2del13insGG (NM_007194.3).
Identifiers: ClinVar variation 439093 (VCV000439093.21), dbSNP rs1555917041, ClinGen allele CA645509363.
Genomic context (GRCh38, chr22:28,703,568, plus strand): 5'-TCCAAAACAATATAATAATCTTCTGCATCAAAAAAGTTTTTAATCTTGATGATGCAAGGC[TAAGAAGAGGGGG>CC]AGAAAAAAGGGAAAGTAGTGAGAAACTCCCAAGAGGAAAACCACAAGAGCTTAGAACATC-3'